The following is an entry in ClinVar:

ClinVar aggregate classification (germline): Uncertain significance (1 of 4 stars; one submission).

Conditions:
Primary ciliary dyskinesia. Also called: Ciliary dyskinesia. Identifiers: Orphanet 244, MedGen C0008780, MONDO:0016575, HP:0012265.

gnomAD v4.1: 3 of 1,614,044 alleles (0.00019%); highest among the groups gnomAD compares: South Asian, 0.0011%; no homozygotes.

Submission:

Ambry Genetics
Classification: Uncertain significance for Primary ciliary dyskinesia. Last evaluated: 2024-09-04. Review status: criteria provided, single submitter. Criteria: Ambry Variant Classification Scheme 2023. Collection method: clinical testing. Allele origin: germline.
Comment: The p.N302T variant (also known as c.905A>C), located in coding exon 8 of the CCDC114 gene, results from an A to C substitution at nucleotide position 905. The asparagine at codon 302 is replaced by threonine, an amino acid with similar properties. This amino acid position is conserved. In addition, this alteration is predicted to be tolerated by in silico analysis. Based on the available evidence, the clinical significance of this variant remains unclear.

NM_001364171.2(ODAD1):c.1016A>C (p.Asn339Thr)

Gene: ODAD1 (outer dynein arm docking complex subunit 1; minus strand). Cytogenetic location: 19q13.33.
Variant type: single nucleotide variant.
Coding change: c.1016A>C on transcript NM_001364171.2 (MANE Select); coding-DNA position 1016, A replaced by C.
Protein change: p.Asn339Thr; replaces asparagine 339 with threonine.
Molecular consequence: missense variant.
Genome position (GRCh38, 1-based): chr19:48,303,068, T>G on the plus strand (A>C on the coding strand, the complement: ODAD1 is on the minus strand). VCF-style: chr19-48303068-T-G. GRCh37 (hg19) VCF-style: chr19-48806325-T-G.
Other names: c.905A>C, p.Asn302Thr (NM_144577.4); short protein forms N302T, N339T.
Identifiers: ClinVar variation 3409748 (VCV003409748.1).